The following is an entry in ClinVar:

ClinVar aggregate classification (germline): Conflicting classifications of pathogenicity. Review status: criteria provided, conflicting classifications (1 of 4 stars). 3 submissions from 3 submitters: Uncertain significance (2); Benign (1). Last evaluated 2025-11-19.

Conditions:
Polyps, multiple and recurrent inflammatory fibroid, gastrointestinal. Identifiers: MedGen C5193005, MONDO:0008285, OMIM 175510.
Idiopathic hypereosinophilic syndrome (HES). Identifiers: Orphanet 3260, MedGen C0206141, MONDO:0011895, OMIM 607685. Disease mechanism: gain of function.
Hereditary cancer-predisposing syndrome. Also called: Neoplastic Syndromes, Hereditary; Tumor predisposition; Hereditary Cancer Syndrome; Hereditary neoplastic syndrome. Identifiers: Orphanet 140162, MedGen C0027672, MeSH D009386, MONDO:0015356.
Gastrointestinal stromal tumor. Also called: Gastrointestinal stromal tumor, somatic; Gastrointestinal stroma tumor. Identifiers: Orphanet 44890, MedGen C0238198, MeSH D046152, MONDO:0011719, OMIM 606764, HP:0100723.

Allele frequency attached by ClinVar (database versions not stated): ExAC 0.00002; gnomAD exomes 0.00002.
gnomAD v4.1: 6 of 1,614,076 alleles (0.00037%); highest among the groups gnomAD compares: Admixed American, 0.01%; no homozygotes.

Submissions (3):

Labcorp Genetics (formerly Invitae), Labcorp
Classification: Uncertain significance for Gastrointestinal stromal tumor. Last evaluated: 2025-11-19. Review status: criteria provided, single submitter. Criteria: Invitae Variant Classification Sherloc (09022015). Collection method: clinical testing. Allele origin: germline.
Comment: This sequence change replaces aspartic acid, which is acidic and polar, with histidine, which is basic and polar, at codon 444 of the PDGFRA protein (p.Asp444His). This variant is present in population databases (rs745702167, gnomAD 0.01%). This variant has not been reported in the literature in individuals affected with PDGFRA-related conditions. ClinVar contains an entry for this variant (Variation ID: 654558). Invitae Evidence Modeling of protein sequence and biophysical properties (such as structural, functional, and spatial information, amino acid conservation, physicochemical variation, residue mobility, and thermodynamic stability) indicates that this missense variant is not expected to disrupt PDGFRA protein function with a negative predictive value of 80%. In summary, the available evidence is currently insufficient to determine the role of this variant in disease. Therefore, it has been classified as a Variant of Uncertain Significance.

Ambry Genetics
Classification: Benign for Hereditary cancer-predisposing syndrome. Last evaluated: 2024-10-28. Review status: criteria provided, single submitter. Criteria: Ambry Variant Classification Scheme 2023. Collection method: clinical testing. Allele origin: germline.

Fulgent Genetics
Classification: Uncertain significance for Polyps, multiple and recurrent inflammatory fibroid, gastrointestinal; Idiopathic hypereosinophilic syndrome. Last evaluated: 2023-12-28. Review status: criteria provided, single submitter. Criteria: ACMG Guidelines, 2015. Collection method: clinical testing. Allele origin: germline.

NM_006206.6(PDGFRA):c.1330G>C (p.Asp444His)

Gene: PDGFRA (platelet derived growth factor receptor alpha; plus strand). Cytogenetic location: 4q12.
Variant type: single nucleotide variant.
Coding change: c.1330G>C on transcript NM_006206.6 (MANE Select); coding-DNA position 1330, G replaced by C.
Protein change: p.Asp444His; replaces aspartic acid 444 with histidine.
Molecular consequence: missense variant.
Genome position (GRCh38, 1-based): chr4:54,272,486, G>C. VCF-style: chr4-54272486-G-C. GRCh37 (hg19) VCF-style: chr4-55138653-G-C.
Other names: c.1330G>C, p.Asp444His (NM_001347827.2, NM_001347829.2); c.1405G>C, p.Asp469His (NM_001347828.2); c.1369G>C, p.Asp457His (NM_001347830.2); short protein forms D444H, D469H, D457H.
Identifiers: ClinVar variation 654558 (VCV000654558.11), dbSNP rs745702167, ClinGen allele CA2922523.